The following is an entry in ClinVar:

ClinVar aggregate classification (germline): Uncertain significance. Review status: criteria provided, multiple submitters, no conflicts (2 of 4 stars). 3 submissions from 3 submitters: Uncertain significance (3). Last evaluated 2022-06-09.

Conditions:
Hereditary cancer-predisposing syndrome. Also called: Tumor predisposition; Neoplastic Syndromes, Hereditary; Hereditary Cancer Syndrome; Hereditary neoplastic syndrome. Identifiers: Orphanet 140162, MedGen C0027672, MeSH D009386, MONDO:0015356.
Familial melanoma. Also called: Hereditary melanoma; Hereditary cutaneous melanoma. Identifiers: Orphanet 618, MedGen C1512419, MONDO:0018961.

Allele frequency attached by ClinVar (database versions not stated): gnomAD exomes below 0.00001.
gnomAD v4.1: 1 of 1,614,006 alleles (0.000062%); highest among the groups gnomAD compares: South Asian, 0.0011%; no homozygotes.

Submissions (3):

Ambry Genetics
Classification: Uncertain significance for Hereditary cancer-predisposing syndrome. Last evaluated: 2022-06-09. Review status: criteria provided, single submitter. Criteria: Ambry Variant Classification Scheme 2023. Collection method: clinical testing. Allele origin: germline.
Comment: The p.R46Q variant (also known as c.137G>A), located in coding exon 1 of the CDKN2A gene, results from a G to A substitution at nucleotide position 137. The arginine at codon 46 is replaced by glutamine, an amino acid with highly similar properties. This amino acid position is highly conserved in available vertebrate species. In addition, this alteration is predicted to be deleterious by in silico analysis. Since supporting evidence is limited at this time, the clinical significance of this alteration remains unclear.

Labcorp Genetics (formerly Invitae), Labcorp
Classification: Uncertain significance for Familial melanoma. Last evaluated: 2022-06-09. Review status: criteria provided, single submitter. Criteria: Invitae Variant Classification Sherloc (09022015). Collection method: clinical testing. Allele origin: germline.
Comment: In summary, the available evidence is currently insufficient to determine the role of this variant in disease. Therefore, it has been classified as a Variant of Uncertain Significance. Algorithms developed to predict the effect of missense changes on protein structure and function are either unavailable or do not agree on the potential impact of this missense change (SIFT: "Deleterious"; PolyPhen-2: "Probably Damaging"; Align-GVGD: "Class C0"). ClinVar contains an entry for this variant (Variation ID: 631208). This variant has not been reported in the literature in individuals affected with CDKN2A (p16INK4a)-related conditions. This variant is not present in population databases (gnomAD no frequency). This sequence change replaces arginine, which is basic and polar, with glutamine, which is neutral and polar, at codon 46 of the CDKN2A (p16INK4a) protein (p.Arg46Gln).

Color Diagnostics, LLC DBA Color Health
Classification: Uncertain significance for Hereditary cancer-predisposing syndrome. Last evaluated: 2018-07-21. Review status: criteria provided, single submitter. Criteria: ACMG Guidelines, 2015. Collection method: clinical testing. Allele origin: germline.

NM_000077.5(CDKN2A):c.137G>A (p.Arg46Gln)

Gene: CDKN2A (cyclin dependent kinase inhibitor 2A; minus strand). Cytogenetic location: 9p21.3.
Variant type: single nucleotide variant.
Coding change: c.137G>A on transcript NM_000077.5; coding-DNA position 137, G replaced by A.
Protein change: p.Arg46Gln; replaces arginine 46 with glutamine.
Molecular consequence: missense variant (on NM_000077.6). On other transcripts: intron variant (2).
Genome position (GRCh38, 1-based): chr9:21,974,691, C>T on the plus strand (G>A on the coding strand, the complement: CDKN2A is on the minus strand). VCF-style: chr9-21974691-C-T. GRCh37 (hg19) VCF-style: chr9-21974690-C-T.
Other names: c.137G>A, p.Arg46Gln (NM_000077.6, NM_001195132.2, NM_058197.5); c.-3-3483G>A (NM_001363763.2); c.194-3483G>A (NM_058195.4); short protein forms R46Q.
Identifiers: ClinVar variation 631208 (VCV000631208.11), dbSNP rs1554656241, ClinGen allele CA373086497.
Genomic context (GRCh38, chr9:21,974,691, plus strand): 5'-CAGAGTCGCCCGCCATCCCCTGCTCCCGCTGCAGACCCTCTACCCACCTGGATCGGCCTC[C>T]GACCGTAACTATTCGGTGCGTTGGGCAGCGCCCCCGCCTCCAGCAGCGCCCGCACCTCCT-3'
Protein context (NP_000068.1, residues 36-56): ALPNAPNSYG[Arg46Gln]RPIQVMMMGS